The following is an entry in ClinVar:

NM_007118.4(TRIO):c.8842T>C (p.Tyr2948His)

Gene: TRIO (trio Rho guanine nucleotide exchange factor; plus strand). Cytogenetic location: 5p15.2.
Variant type: single nucleotide variant.
Coding change: c.8842T>C on transcript NM_007118.4 (MANE Select); coding-DNA position 8842, T replaced by C.
Protein change: p.Tyr2948His; replaces tyrosine 2948 with histidine.
Molecular consequence: missense variant. On other transcripts: non-coding transcript variant (1).
Genome position (GRCh38, 1-based): chr5:14,507,970, T>C. VCF-style: chr5-14507970-T-C. GRCh37 (hg19) VCF-style: chr5-14508079-T-C.
Other names: short protein forms Y2948H.
Identifiers: ClinVar variation 3372327 (VCV003372327.1).

ClinVar aggregate classification (germline): Uncertain significance (1 of 4 stars; one submission).

Submission:

GeneDx
Classification: Uncertain significance. Last evaluated: 2024-04-10. Review status: criteria provided, single submitter. Criteria: GeneDx Variant Classification Process June 2021. Collection method: clinical testing. Allele origin: germline. Affected: yes.
Comment: Not observed at significant frequency in large population cohorts (gnomAD); In silico analysis indicates that this missense variant does not alter protein structure/function; Has not been previously published as pathogenic or benign to our knowledge